The following is an entry in ClinVar:

ClinVar aggregate classification (germline): Uncertain significance (1 of 4 stars; one submission).

Conditions:
Cardiovascular phenotype. Identifiers: MedGen CN230736.

gnomAD v4.1: 2 of 1,599,126 alleles (0.00013%); highest among the groups gnomAD compares: Non-Finnish European, 0.00017%; no homozygotes.

Submission:

Ambry Genetics
Classification: Uncertain significance for Cardiovascular phenotype. Last evaluated: 2024-08-19. Review status: criteria provided, single submitter. Criteria: Ambry Variant Classification Scheme 2023. Collection method: clinical testing. Allele origin: germline.
Comment: The p.D379Y variant (also known as c.1135G>T), located in coding exon 11 of the CASQ2 gene, results from a G to T substitution at nucleotide position 1135. The aspartic acid at codon 379 is replaced by tyrosine, an amino acid with highly dissimilar properties. This amino acid position is conserved. In addition, this alteration is predicted to be tolerated by in silico analysis. Based on the available evidence, the clinical significance of this variant remains unclear.

NM_001232.4(CASQ2):c.1135G>T (p.Asp379Tyr)

Gene: CASQ2 (calsequestrin 2; minus strand). Cytogenetic location: 1p13.1.
Variant type: single nucleotide variant.
Coding change: c.1135G>T on transcript NM_001232.4 (MANE Select); coding-DNA position 1135, G replaced by T.
Protein change: p.Asp379Tyr; replaces aspartic acid 379 with tyrosine.
Molecular consequence: missense variant.
Genome position (GRCh38, 1-based): chr1:115,701,306, C>A on the plus strand (G>T on the coding strand, the complement: CASQ2 is on the minus strand). VCF-style: chr1-115701306-C-A. GRCh37 (hg19) VCF-style: chr1-116243927-C-A.
Other names: short protein forms D379Y.
Identifiers: ClinVar variation 3485291 (VCV003485291.1).